The following is an entry in ClinVar:

ClinVar aggregate classification (germline): Uncertain significance (1 of 4 stars; one submission).

Conditions:
Familial thoracic aortic aneurysm and aortic dissection (TAAD). Also called: Thoracic aortic aneurysms and dissections. Identifiers: Orphanet 91387, MedGen C4707243, MONDO:0019625.

Submission:

Ambry Genetics
Classification: Uncertain significance for Familial thoracic aortic aneurysm and aortic dissection. Last evaluated: 2024-04-28. Review status: criteria provided, single submitter. Criteria: Ambry Variant Classification Scheme 2023. Collection method: clinical testing. Allele origin: germline.
Comment: The p.M1690K variant (also known as c.5069T>A), located in coding exon 34 of the MYH11 gene, results from a T to A substitution at nucleotide position 5069. The methionine at codon 1690 is replaced by lysine, an amino acid with similar properties. This amino acid position is conserved. In addition, the in silico prediction for this alteration is inconclusive. Based on the available evidence, the clinical significance of this variant remains unclear.

NM_002474.3(MYH11):c.5069T>A (p.Met1690Lys)

Genes: MYH11 (myosin heavy chain 11; minus strand), NDE1 (nudE neurodevelopment protein 1; plus strand). Cytogenetic location: 16p13.11.
Variant type: single nucleotide variant.
Coding change: c.5069T>A on transcript NM_002474.3 (MANE Select); coding-DNA position 5069, T replaced by A.
Protein change: p.Met1690Lys; replaces methionine 1690 with lysine.
Molecular consequence: missense variant. On other transcripts: intron variant (2).
Genome position (GRCh38, 1-based): chr16:15,719,598, A>T on the plus strand (T>A on the coding strand, the complement: MYH11 is on the minus strand). VCF-style: chr16-15719598-A-T. GRCh37 (hg19) VCF-style: chr16-15813455-A-T.
Other names: c.5069T>A, p.Met1690Lys (NM_022844.3); c.5090T>A, p.Met1697Lys (NM_001040114.2, NM_001040113.2); c.948-4593A>T (NM_001143979.2, NM_017668.3); short protein forms M1697K, M1690K.
Identifiers: ClinVar variation 3297359 (VCV003297359.1).